The following is an entry in ClinVar:

ClinVar aggregate classification (germline): Uncertain significance (1 of 4 stars; one submission).

Conditions:
Baller-Gerold syndrome (BGS). Also called: CRANIOSYNOSTOSIS WITH RADIAL DEFECTS. Identifiers: Orphanet 1225, MedGen C0265308, MONDO:0009039, OMIM 218600.

Submission:

Labcorp Genetics (formerly Invitae), Labcorp
Classification: Uncertain significance for Baller-Gerold syndrome. Last evaluated: 2023-09-29. Review status: criteria provided, single submitter. Criteria: Invitae Variant Classification Sherloc (09022015). Collection method: clinical testing. Allele origin: germline.
Comment: In summary, the available evidence is currently insufficient to determine the role of this variant in disease. Therefore, it has been classified as a Variant of Uncertain Significance. Advanced modeling of protein sequence and biophysical properties (such as structural, functional, and spatial information, amino acid conservation, physicochemical variation, residue mobility, and thermodynamic stability) performed at Invitae indicates that this missense variant is not expected to disrupt RECQL4 protein function. This variant has not been reported in the literature in individuals affected with RECQL4-related conditions. This variant is not present in population databases (gnomAD no frequency). This sequence change replaces cysteine, which is neutral and slightly polar, with phenylalanine, which is neutral and non-polar, at codon 949 of the RECQL4 protein (p.Cys949Phe).

NM_004260.4(RECQL4):c.2846G>T (p.Cys949Phe)

Gene: RECQL4 (RecQ like helicase 4; minus strand). Cytogenetic location: 8q24.3.
Variant type: single nucleotide variant.
Coding change: c.2846G>T on transcript NM_004260.4 (MANE Select); coding-DNA position 2846, G replaced by T.
Protein change: p.Cys949Phe; replaces cysteine 949 with phenylalanine.
Molecular consequence: missense variant. On other transcripts: non-coding transcript variant (3).
Genome position (GRCh38, 1-based): chr8:144,512,681, C>A on the plus strand (G>T on the coding strand, the complement: RECQL4 is on the minus strand). VCF-style: chr8-144512681-C-A. GRCh37 (hg19) VCF-style: chr8-145738064-C-A.
Other names: c.2552G>T, p.Cys851Phe (NM_001413017.1); c.2648G>T, p.Cys883Phe (NM_001413018.1); c.2921G>T, p.Cys974Phe (NM_001413019.1); c.2750G>T, p.Cys917Phe (NM_001413020.1); c.1775G>T, p.Cys592Phe (NM_001413021.1, NM_001413022.1, NM_001413024.1 and 4 more transcripts); c.1850G>T, p.Cys617Phe (NM_001413023.1); c.2717G>T, p.Cys906Phe (NM_001413025.1); c.1709G>T, p.Cys570Phe (NM_001413027.1, NM_001413030.1, NM_001413032.1); and 9 more; short protein forms C548F, C592F, C595F, C906F, C974F, C460F, C570F, C582F.
Identifiers: ClinVar variation 2764121 (VCV002764121.3), dbSNP rs370549048, ClinGen allele CA372674037.
Genomic context (GRCh38, chr8:144,512,681, plus strand): 5'-AACTGGGCAGGGCGTGCTTACCTGTGGGCCAGGGCCTGGAGCTGGGCAGGGCCCCCAGGG[C>A]AGTTCAGACGGCAATGGGTATAGGTGGTCGCCAGCAGCTCCAGCCAGTGGTGTGGGTGCA-3'
Protein context (NP_004251.4, residues 939-959): ATTYTHCRLN[Cys949Phe]PGGPAQLQAL